The following is an entry in ClinVar:

NM_001283009.2(RTEL1):c.2107C>A (p.Gln703Lys)

Genes: RTEL1 (regulator of telomere elongation helicase 1; plus strand), RTEL1-TNFRSF6B (RTEL1-TNFRSF6B readthrough (NMD candidate); plus strand). Cytogenetic location: 20q13.33.
Variant type: single nucleotide variant.
Coding change: c.2107C>A on transcript NM_001283009.2 (MANE Select); coding-DNA position 2107, C replaced by A.
Protein change: p.Gln703Lys; replaces glutamine 703 with lysine.
Molecular consequence: missense variant. On other transcripts: non-coding transcript variant (1).
Genome position (GRCh38, 1-based): chr20:63,689,831, C>A. VCF-style: chr20-63689831-C-A. GRCh37 (hg19) VCF-style: chr20-62321184-C-A.
Other names: c.1438C>A, p.Gln480Lys (NM_001283010.1); c.2107C>A, p.Gln703Lys (NM_016434.4); c.2179C>A, p.Gln727Lys (NM_032957.5); short protein forms Q727K, Q480K, Q703K.
Identifiers: ClinVar variation 3791124 (VCV003791124.1).
Genomic context (GRCh38, chr20:63,689,831, plus strand): 5'-TACCGGCAGCAGGCGTCCAGGGCTGTGAACCAGGCCATCGGGCGAGTGATCCGGCACCGC[C>A]AGGACTACGGAGCTGTCTTCCTCTGTGACCACAGGTGCGTGCAGTCCGGTGGCAGGCGCG-3'
Protein context (NP_001269938.1, residues 693-713): QAIGRVIRHR[Gln703Lys]DYGAVFLCDH

ClinVar aggregate classification (germline): Uncertain significance (1 of 4 stars; one submission).

Conditions:
Inborn genetic diseases. Identifiers: MedGen C0950123, MeSH D030342.

Submission:

Ambry Genetics
Classification: Uncertain significance for Inborn genetic diseases. Last evaluated: 2025-02-06. Review status: criteria provided, single submitter. Criteria: Ambry Variant Classification Scheme 2023. Collection method: clinical testing. Allele origin: germline.
Comment: The p.Q703K variant (also known as c.2107C>A), located in coding exon 23 of the RTEL1 gene, results from a C to A substitution at nucleotide position 2107. The glutamine at codon 703 is replaced by lysine, an amino acid with similar properties. This amino acid position is conserved. In addition, this alteration is predicted to be tolerated by in silico analysis. Based on the available evidence, the clinical significance of this variant remains unclear.